The following is an entry in ClinVar:

NM_080669.6(SLC46A1):c.272T>C (p.Val91Ala)

Gene: SLC46A1 (solute carrier family 46 member 1; minus strand). Cytogenetic location: 17q11.2.
Variant type: single nucleotide variant.
Coding change: c.272T>C on transcript NM_080669.6 (MANE Select); coding-DNA position 272, T replaced by C.
Protein change: p.Val91Ala; replaces valine 91 with alanine.
Molecular consequence: missense variant.
Genome position (GRCh38, 1-based): chr17:28,405,425, A>G on the plus strand (T>C on the coding strand, the complement: SLC46A1 is on the minus strand). VCF-style: chr17-28405425-A-G. GRCh37 (hg19) VCF-style: chr17-26732443-A-G.
Other names: c.272T>C, p.Val91Ala (NM_001242366.3); c.272T>C (NM_080669.4); short protein forms V91A.
Identifiers: ClinVar variation 1352251 (VCV001352251.4), dbSNP rs1244416808, ClinGen allele CA398353061.

ClinVar aggregate classification (germline): Uncertain significance. Review status: criteria provided, multiple submitters, no conflicts (2 of 4 stars). 2 submissions from 2 submitters: Uncertain significance (2). Last evaluated 2023-12-16.

Conditions:
Inborn genetic diseases. Identifiers: MedGen C0950123, MeSH D030342.

Allele frequency attached by ClinVar (database versions not stated): gnomAD 0.00001; gnomAD exomes 0.00001 and 0.00002; TOPMed 0.00001.
gnomAD v4.1: 25 of 1,593,768 alleles (0.0016%); highest among the groups gnomAD compares: Non-Finnish European, 0.002%; no homozygotes.

Submissions (2):

Ambry Genetics
Classification: Uncertain significance for Inborn genetic diseases. Last evaluated: 2023-12-16. Review status: criteria provided, single submitter. Criteria: Ambry Variant Classification Scheme 2023. Collection method: clinical testing. Allele origin: germline.

Labcorp Genetics (formerly Invitae), Labcorp
Classification: Uncertain significance. Last evaluated: 2022-02-10. Review status: criteria provided, single submitter. Criteria: Invitae Variant Classification Sherloc (09022015). Collection method: clinical testing. Allele origin: germline.
Comment: This sequence change replaces valine, which is neutral and non-polar, with alanine, which is neutral and non-polar, at codon 91 of the SLC46A1 protein (p.Val91Ala). This variant is present in population databases (no rsID available, gnomAD 0.002%). This variant has not been reported in the literature in individuals affected with SLC46A1-related conditions. Experimental studies and prediction algorithms are not available or were not evaluated, and the functional significance of this variant is currently unknown. In summary, the available evidence is currently insufficient to determine the role of this variant in disease. Therefore, it has been classified as a Variant of Uncertain Significance.